The following is an entry in ClinVar:

NM_004260.4(RECQL4):c.1042C>T (p.His348Tyr)

Gene: RECQL4 (RecQ like helicase 4; minus strand). Cytogenetic location: 8q24.3.
Variant type: single nucleotide variant.
Coding change: c.1042C>T on transcript NM_004260.4 (MANE Select); coding-DNA position 1042, C replaced by T.
Protein change: p.His348Tyr; replaces histidine 348 with tyrosine.
Molecular consequence: missense variant.
Genome position (GRCh38, 1-based): chr8:144,516,077, G>A on the plus strand (C>T on the coding strand, the complement: RECQL4 is on the minus strand). VCF-style: chr8-144516077-G-A. GRCh37 (hg19) VCF-style: chr8-145741461-G-A.
Other names: short protein forms H348Y.
Identifiers: ClinVar variation 406910 (VCV000406910.6), dbSNP rs1060501360, ClinGen allele CA16612272.
Genomic context (GRCh38, chr8:144,516,077, plus strand): 5'-CCCGGCCCCGCACGTAGTGTTTCTGCTTCATGTTGAGCCGTACGTAATTGCCCCTGTCAT[G>A]GCGGGCCAGCCGAGGGAAGATGTGCAGGGGGGCTGTGCCCTCAGCCTTCCCAGCCCTAGC-3'
Protein context (NP_004251.4, residues 338-358): PLHIFPRLAR[His348Tyr]DRGNYVRLNM

ClinVar aggregate classification (germline): Uncertain significance. Review status: criteria provided, multiple submitters, no conflicts (2 of 4 stars). 2 submissions from 2 submitters: Uncertain significance (2). Last evaluated 2025-08-08.

Conditions:
Inborn genetic diseases. Identifiers: MedGen C0950123, MeSH D030342.
Baller-Gerold syndrome (BGS). Also called: CRANIOSYNOSTOSIS WITH RADIAL DEFECTS. Identifiers: Orphanet 1225, MedGen C0265308, MONDO:0009039, OMIM 218600.

Submissions (2):

Ambry Genetics
Classification: Uncertain significance for Inborn genetic diseases. Last evaluated: 2025-08-08. Review status: criteria provided, single submitter. Criteria: Ambry Variant Classification Scheme 2023. Collection method: clinical testing. Allele origin: germline.
Comment: The p.H348Y variant (also known as c.1042C>T), located in coding exon 5 of the RECQL4 gene, results from a C to T substitution at nucleotide position 1042. The histidine at codon 348 is replaced by tyrosine, an amino acid with similar properties. This amino acid position is conserved. In addition, this alteration is predicted to be tolerated by in silico analysis. Based on the available evidence, the clinical significance of this variant remains unclear.

Labcorp Genetics (formerly Invitae), Labcorp
Classification: Uncertain significance for Baller-Gerold syndrome. Last evaluated: 2022-06-11. Review status: criteria provided, single submitter. Criteria: Invitae Variant Classification Sherloc (09022015). Collection method: clinical testing. Allele origin: germline.
Comment: This variant has not been reported in the literature in individuals affected with RECQL4-related conditions. This variant is not present in population databases (gnomAD no frequency). This sequence change replaces histidine, which is basic and polar, with tyrosine, which is neutral and polar, at codon 348 of the RECQL4 protein (p.His348Tyr). In summary, the available evidence is currently insufficient to determine the role of this variant in disease. Therefore, it has been classified as a Variant of Uncertain Significance. ClinVar contains an entry for this variant (Variation ID: 406910).